The following is an entry in ClinVar:

NM_000053.4(ATP7B):c.322T>C (p.Cys108Arg)

Gene: ATP7B (ATPase copper transporting beta; minus strand). Cytogenetic location: 13q14.3.
Variant type: single nucleotide variant.
Coding change: c.322T>C on transcript NM_000053.4 (MANE Select); coding-DNA position 322, T replaced by C.
Protein change: p.Cys108Arg; replaces cysteine 108 with arginine.
Molecular consequence: missense variant.
Genome position (GRCh38, 1-based): chr13:51,974,898, A>G on the plus strand (T>C on the coding strand, the complement: ATP7B is on the minus strand). VCF-style: chr13-51974898-A-G. GRCh37 (hg19) VCF-style: chr13-52549034-A-G.
Other names: c.322T>C, p.Cys108Arg (NM_001005918.3, NM_001243182.2, NM_001330578.2 and 1 more transcripts); short protein forms C108R.
Identifiers: ClinVar variation 617911 (VCV000617911.1), dbSNP rs1566603189, ClinGen allele CA388044443.

ClinVar aggregate classification (germline): Uncertain significance (1 of 4 stars; one submission).

Conditions:
Wilson disease (WND). Also called: Wilson's disease. Identifiers: Orphanet 905, MedGen C0019202, MONDO:0010200, OMIM 277900. Disease mechanism: loss of function.

Submission:

SIB Swiss Institute of Bioinformatics
Classification: Uncertain significance for Wilson disease. Last evaluated: 2018-10-15. Review status: criteria provided, single submitter. Criteria: ACMG Guidelines, 2015. Collection method: curation. Allele origin: germline.
Comment: This variant is interpreted as Uncertain Significance - Insufficient Evidence, for Wilson disease, autosomal recessive. The following ACMG Tag(s) were applied: PM2 => Absent from controls (or at extremely low frequency if recessive) in Exome Sequencing Project, 1000 Genomes Project, or Exome Aggregation Consortium.